The following is an entry in ClinVar:

NM_001374828.1(ARID1B):c.6190C>G (p.Leu2064Val)

Gene: ARID1B (AT-rich interaction domain 1B; plus strand). Cytogenetic location: 6q25.3.
Variant type: single nucleotide variant.
Coding change: c.6190C>G on transcript NM_001374828.1 (MANE Select); coding-DNA position 6190, C replaced by G.
Protein change: p.Leu2064Val; replaces leucine 2064 with valine.
Molecular consequence: missense variant.
Genome position (GRCh38, 1-based): chr6:157,206,962, C>G. VCF-style: chr6-157206962-C-G. GRCh37 (hg19) VCF-style: chr6-157528096-C-G.
Other names: c.3691C>G, p.Leu1231Val (NM_001363725.2); c.6070C>G, p.Leu2024Val (NM_001371656.1, NM_001374820.1); c.6031C>G, p.Leu2011Val (NM_017519.3); c.5821C>G (NM_020732.3); short protein forms L1231V, L2011V, L2024V, L2064V.
Identifiers: ClinVar variation 3766014 (VCV003766014.1).

ClinVar aggregate classification (germline): Uncertain significance (1 of 4 stars; one submission).

Submission:

GeneDx
Classification: Uncertain significance. Last evaluated: 2024-08-30. Review status: criteria provided, single submitter. Criteria: GeneDx Variant Classification Process June 2021. Collection method: clinical testing. Allele origin: germline. Affected: yes.
Comment: Not observed at significant frequency in large population cohorts (gnomAD); In silico analysis supports that this missense variant has a deleterious effect on protein structure/function; Has not been previously published as pathogenic or benign to our knowledge